The following is an entry in ClinVar:

ClinVar aggregate classification (germline): Uncertain significance. Review status: criteria provided, multiple submitters, no conflicts (2 of 4 stars). 2 submissions from 2 submitters: Uncertain significance (2). Last evaluated 2024-10-09.

Conditions:
Polycystic kidney disease 3 with or without polycystic liver disease. Also called: POLYCYSTIC KIDNEY DISEASE, ADULT, TYPE III; Polycystic kidney disease 3; Polycystic Kidney and/or Polycystic Liver Disease 3. Identifiers: MedGen C3887964, MONDO:0010916, OMIM 600666.
Biliary tract abnormality. Identifiers: MedGen C0549613, MONDO:0004868, HP:0001080.

gnomAD v4.1: 3 of 1,612,254 alleles (0.00019%); highest among the groups gnomAD compares: Non-Finnish European, 0.00025%; no homozygotes.

Submissions (2):

Victorian Clinical Genetics Services, Murdoch Childrens Research Institute
Classification: Uncertain significance for Polycystic kidney disease 3 with or without polycystic liver disease. Last evaluated: 2024-10-09. Review status: criteria provided, single submitter. Criteria: ACMG Guidelines, 2015. Collection method: clinical testing. Allele origin: germline. Inheritance: Autosomal dominant inheritance. Affected: yes.
Comment: Based on the classification scheme VCGS_Germline_v1.3.5, this variant is classified as VUS-3B. Following criteria are met: 0102 - Loss of function is a known mechanism of disease in this gene and is associated with polycystic kidney disease 3 (MIM#600666). (I) 0107 - This gene is associated with autosomal dominant disease. (I) 0200 - Variant is predicted to result in a missense amino acid change from leucine to proline. (I) 0251 - This variant is heterozygous. (I) 0302 - Variant is present in gnomAD (v4) <0.001 for a dominant condition (3 heterozygotes, 0 homozygotes). (SP) 0309 - Multiple alternative amino acid changes at the same position have been observed in gnomAD (highest allele count (v4): 4 heterozygotes, 0 homozygotes). (I) 0501 - Missense variant consistently predicted to be damaging by multiple in silico tools or highly conserved with a major amino acid change. (SP) 0604 - Variant is not located in an established domain, motif, hotspot or informative constraint region. (I) 0705 - No comparable missense variants have previous evidence for pathogenicity. (I) 0807 - This variant has no previous evidence of pathogenicity. (I) 0905 - No published segregation evidence has been identified for this variant. (I) 1007 - No published functional evidence has been identified for this variant. (I) 1208 - Inheritance information for this variant is not currently available in this individual. (I) Legend: (SP) - Supporting pathogenic, (I) - Information, (SB) - Supporting benign

Cambridge Genomics Laboratory, East Genomic Laboratory Hub, NHS Genomic Medicine Service
Classification: Uncertain significance for Biliary tract abnormality. Last evaluated: 2020-01-20. Review status: criteria provided, single submitter. Criteria: ACGS Best Practice Guidelines for Variant Classification in Rare Disease 2020. Collection method: clinical testing. Allele origin: germline. Affected: yes. Observed: 1 variant allele.

NM_198334.3(GANAB):c.2531T>C (p.Leu844Pro)

Gene: GANAB (glucosidase II alpha subunit; minus strand). Cytogenetic location: 11q12.3.
Variant type: single nucleotide variant.
Coding change: c.2531T>C on transcript NM_198334.3 (MANE Select); coding-DNA position 2531, T replaced by C.
Protein change: p.Leu844Pro; replaces leucine 844 with proline.
Molecular consequence: missense variant.
Genome position (GRCh38, 1-based): chr11:62,626,428, A>G on the plus strand (T>C on the coding strand, the complement: GANAB is on the minus strand). VCF-style: chr11-62626428-A-G. GRCh37 (hg19) VCF-style: chr11-62393900-A-G.
Other names: c.1808T>C, p.Leu603Pro (NM_001329224.2, NM_001329225.2); c.2597T>C, p.Leu866Pro (NM_198335.4); c.2255T>C, p.Leu752Pro (NM_001278192.2); c.2189T>C, p.Leu730Pro (NM_001278193.2); c.2240T>C, p.Leu747Pro (NM_001278194.2, NM_001329222.2, NM_001329223.2); short protein forms L603P, L730P, L747P, L752P, L844P, L866P.
Identifiers: ClinVar variation 3377197 (VCV003377197.2).